The following is an entry in ClinVar:

NM_000037.4(ANK1):c.724C>T (p.Pro242Ser)

Gene: ANK1 (ankyrin 1; minus strand). Cytogenetic location: 8p11.21.
Variant type: single nucleotide variant.
Coding change: c.724C>T on transcript NM_000037.4 (MANE Select); coding-DNA position 724, C replaced by T.
Protein change: p.Pro242Ser; replaces proline 242 with serine.
Molecular consequence: missense variant.
Genome position (GRCh38, 1-based): chr8:41,723,621, G>A on the plus strand (C>T on the coding strand, the complement: ANK1 is on the minus strand). VCF-style: chr8-41723621-G-A. GRCh37 (hg19) VCF-style: chr8-41581139-G-A.
Other names: c.823C>T, p.Pro275Ser (NM_001142446.2); c.724C>T, p.Pro242Ser (NM_020475.3, NM_020476.3, NM_020477.3); short protein forms P242S, P275S.
Identifiers: ClinVar variation 4704579 (VCV004704579.1).

ClinVar aggregate classification (germline): Uncertain significance (1 of 4 stars; one submission).

gnomAD v4.1: 3 of 1,613,226 alleles (0.00019%); highest among the groups gnomAD compares: Non-Finnish European, 0.00025%; no homozygotes.

Submission:

Labcorp Genetics (formerly Invitae), Labcorp
Classification: Uncertain significance. Last evaluated: 2025-04-08. Review status: criteria provided, single submitter. Criteria: Invitae Variant Classification Sherloc (09022015). Collection method: clinical testing. Allele origin: germline.
Comment: This sequence change replaces proline, which is neutral and non-polar, with serine, which is neutral and polar, at codon 242 of the ANK1 protein (p.Pro242Ser). This variant is present in population databases (no rsID available, gnomAD 0.0009%). This variant has not been reported in the literature in individuals affected with ANK1-related conditions. Invitae Evidence Modeling of protein sequence and biophysical properties (such as structural, functional, and spatial information, amino acid conservation, physicochemical variation, residue mobility, and thermodynamic stability) indicates that this missense variant is not expected to disrupt ANK1 protein function with a negative predictive value of 80%. In summary, the available evidence is currently insufficient to determine the role of this variant in disease. Therefore, it has been classified as a Variant of Uncertain Significance.